The following is an entry in ClinVar:

ClinVar aggregate classification (germline): Pathogenic. Review status: criteria provided, single submitter (1 of 4 stars). 2 submissions from 2 submitters: Pathogenic (1). 1 of the submissions does not count toward it. Last evaluated 2020-01-29.

Conditions:
Hereditary cancer-predisposing syndrome. Also called: Hereditary neoplastic syndrome; Neoplastic Syndromes, Hereditary; Tumor predisposition; Hereditary Cancer Syndrome. Identifiers: Orphanet 140162, MedGen C0027672, MeSH D009386, MONDO:0015356.
Multiple endocrine neoplasia, type 1 (MEN1). Also called: MEA I; Endocrine adenomatosis multiple; MEN 1; MEN I; WERMER SYNDROME. Identifiers: Orphanet 652, MedGen C0025267, MeSH D018761, MONDO:0007540, OMIM 131100.

Submissions (2):

Ambry Genetics
Classification: Pathogenic for Hereditary cancer-predisposing syndrome. Last evaluated: 2020-01-29. Review status: criteria provided, single submitter. Criteria: Ambry Variant Classification Scheme 2023. Collection method: clinical testing. Allele origin: germline.
Comment: The c.824+1G>A intronic pathogenic mutation results from a G to A substitution one nucleotide after coding exon 4 of the MEN1 gene. This pathogenic mutation has been identified in multiple families meeting criteria for MEN1 (Cr&eacute;pin M et al. Electrophoresis, 2003 Jan;24:26-33; Frank-Raue K et al. J. Clin. Endocrinol. Metab. 2005 Jul;90:4063-7). In addition to the clinical data presented in the literature, alterations that disrupt the canonical splice site are expected to cause aberrant splicing, resulting in an abnormal protein or a transcript that is subject to nonsense-mediated mRNA decay. As such, this alteration is classified as a disease-causing mutation.

OMIM
Classification: Pathogenic for MULTIPLE ENDOCRINE NEOPLASIA, TYPE I. Last evaluated: 2005-07-01. Review status: no assertion criteria provided. Collection method: literature only. Allele origin: germline. Not counted in ClinVar's aggregate classification.

Literature cited by the submitters: PubMed 12652570 (cited by Ambry Genetics); PubMed 15870131 (cited by Ambry Genetics and OMIM).

NM_001370259.2(MEN1):c.824+1G>A

Gene: MEN1 (menin 1; minus strand). Cytogenetic location: 11q13.1.
Variant type: single nucleotide variant.
Coding change: c.824+1G>A on transcript NM_001370259.2 (MANE Select); the canonical splice donor site of the intron after coding-DNA position 824, G replaced by A.
Molecular consequence: splice donor variant.
Genome position (GRCh38, 1-based): chr11:64,807,178, C>T on the plus strand (G>A on the coding strand, the complement: MEN1 is on the minus strand). VCF-style: chr11-64807178-C-T. GRCh37 (hg19) VCF-style: chr11-64574650-C-T.
Other names: IVS5, G-A, +1; c.839+1G>A (NM_130804.3, NM_130803.3, NM_000244.4 and 5 more transcripts); c.719+1G>A (NM_001407148.1, NM_001407149.1, NM_001407151.1 and 2 more transcripts); c.824+1G>A (NM_130799.3, NM_001407144.1, NM_001370260.2 and 7 more transcripts).
Identifiers: ClinVar variation 16710 (VCV000016710.4), dbSNP rs1060499976, ClinGen allele CA381183853.